The following is an entry in ClinVar:

ClinVar aggregate classification (germline): Uncertain significance (1 of 4 stars; one submission).

Conditions:
Temtamy preaxial brachydactyly syndrome (TPBS). Identifiers: Orphanet 363417, MedGen C1854466, MONDO:0011533, OMIM 605282.

Allele frequency attached by ClinVar (database versions not stated): gnomAD 0.00001; gnomAD exomes 0.00001; ExAC 0.00002; TOPMed 0.00002; ESP Exome Variant Server 0.00008.
gnomAD v4.1: 22 of 1,614,040 alleles (0.0014%); highest among the groups gnomAD compares: Non-Finnish European, 0.0011%; no homozygotes.

Submission:

Labcorp Genetics (formerly Invitae), Labcorp
Classification: Uncertain significance for Temtamy preaxial brachydactyly syndrome. Last evaluated: 2022-11-17. Review status: criteria provided, single submitter. Criteria: Invitae Variant Classification Sherloc (09022015). Collection method: clinical testing. Allele origin: germline.
Comment: In summary, the available evidence is currently insufficient to determine the role of this variant in disease. Therefore, it has been classified as a Variant of Uncertain Significance. Advanced modeling of protein sequence and biophysical properties (such as structural, functional, and spatial information, amino acid conservation, physicochemical variation, residue mobility, and thermodynamic stability) performed at Invitae indicates that this missense variant is expected to disrupt CHSY1 protein function. This variant has not been reported in the literature in individuals affected with CHSY1-related conditions. This variant is present in population databases (rs374869761, gnomAD 0.05%). This sequence change replaces threonine, which is neutral and polar, with methionine, which is neutral and non-polar, at codon 557 of the CHSY1 protein (p.Thr557Met).

NM_014918.5(CHSY1):c.1670C>T (p.Thr557Met)

Gene: CHSY1 (chondroitin sulfate synthase 1; minus strand). Cytogenetic location: 15q26.3.
Variant type: single nucleotide variant.
Coding change: c.1670C>T on transcript NM_014918.5 (MANE Select); coding-DNA position 1670, C replaced by T.
Protein change: p.Thr557Met; replaces threonine 557 with methionine.
Molecular consequence: missense variant.
Genome position (GRCh38, 1-based): chr15:101,178,127, G>A on the plus strand (C>T on the coding strand, the complement: CHSY1 is on the minus strand). VCF-style: chr15-101178127-G-A. GRCh37 (hg19) VCF-style: chr15-101718332-G-A.
Other names: short protein forms T557M.
Identifiers: ClinVar variation 2741422 (VCV002741422.3), dbSNP rs374869761, ClinGen allele CA7762487.
Genomic context (GRCh38, chr15:101,178,127, plus strand): 5'-TTGGAGTCAGAATTGAAAAGCAGAACCACGAGCTTGACGTTCTGATTGGGGATAAGACAC[G>A]TCTTCTCAAAGTTTCCCATAAATCTCACAAACATGTCGAAACGCCCAGACAAAGGAATCA-3'
Protein context (NP_055733.2, residues 547-567): FVRFMGNFEK[Thr557Met]CLIPNQNVKL